The following is an entry in ClinVar:

NM_001080517.3(SETD5):c.4186C>T (p.Gln1396Ter)

Gene: SETD5 (SET domain containing 5; plus strand). Cytogenetic location: 3p25.3.
Variant type: single nucleotide variant.
Coding change: c.4186C>T on transcript NM_001080517.3 (MANE Select); coding-DNA position 4186, C replaced by T.
Protein change: p.Gln1396Ter; replaces glutamine 1396 with a stop codon.
Molecular consequence: nonsense.
Genome position (GRCh38, 1-based): chr3:9,475,948, C>T. VCF-style: chr3-9475948-C-T. GRCh37 (hg19) VCF-style: chr3-9517632-C-T.
Other names: c.3892C>T, p.Gln1298Ter (NM_001292043.2, NM_001349451.2); short protein forms Q1298*, Q1396*.
Identifiers: ClinVar variation 3031583 (VCV003031583.2), dbSNP rs2473992401, ClinGen allele CA351694724.

ClinVar aggregate classification (germline): Likely pathogenic (0 of 4 stars; one submission).

Conditions:
SETD5-related disorder. Also called: SETD5-related disorders; SETD5-related condition.

Allele frequency attached by ClinVar (database versions not stated): gnomAD exomes below 0.00001.
gnomAD v4.1: 1 of 1,614,026 alleles (0.000062%); highest among the groups gnomAD compares: Non-Finnish European, 0.000085%; no homozygotes.

Submission:

PreventionGenetics, part of Exact Sciences
Classification: Likely pathogenic for SETD5-related condition. Last evaluated: 2023-10-19. Review status: no assertion criteria provided. Collection method: clinical testing. Allele origin: germline.
Comment: The SETD5 c.4186C>T variant is predicted to result in premature protein termination (p.Gln1396*). To our knowledge, this variant has not been reported in the literature or in a large population database, indicating this variant is rare. Nonsense variants in SETD5 are expected to be pathogenic. Of note, this variant is located in the terminal exon. Several other chain-terminating alterations in this exon have been documented as pathogenic, but all are located upstream of this patient’s variant (Grozeva et al. 2014. PubMed ID: 24680889; ClinVar database). This variant is interpreted as likely pathogenic.